The following is an entry in ClinVar:

NM_018180.3(DHX32):c.2064-8A>G

Genes: BCCIP (BRCA2 and CDKN1A interacting protein; plus strand), DHX32 (DEAH-box helicase 32 (putative); minus strand). Cytogenetic location: 10q26.2.
Variant type: single nucleotide variant.
Coding change: c.2064-8A>G on transcript NM_018180.3 (MANE Select); 8 bases into the intron before coding-DNA position 2064, A replaced by G.
Molecular consequence: intron variant.
Genome position (GRCh38, 1-based): chr10:125,836,863, T>C on the plus strand (A>G on the coding strand, the complement: DHX32 is on the minus strand). VCF-style: chr10-125836863-T-C. GRCh37 (hg19) VCF-style: chr10-127525432-T-C.
Other names: c.774+2917T>C (NM_016567.4, NM_078469.3).
Identifiers: ClinVar variation 2191141 (VCV002191141.3), dbSNP rs1854706595, ClinGen allele CA1943025176.

ClinVar aggregate classification (germline): Uncertain significance (1 of 4 stars; one submission).

Allele frequency attached by ClinVar (database versions not stated): gnomAD exomes 0.00001.
gnomAD v4.1: 16 of 1,613,304 alleles (0.00099%); highest among the groups gnomAD compares: Non-Finnish European, 0.0011%; no homozygotes.

Submission:

Labcorp Genetics (formerly Invitae), Labcorp
Classification: Uncertain significance. Last evaluated: 2025-09-04. Review status: criteria provided, single submitter. Criteria: Invitae Variant Classification Sherloc (09022015). Collection method: clinical testing. Allele origin: germline.
Comment: This sequence change falls in intron 10 of the DHX32 gene. It does not directly change the encoded amino acid sequence of the DHX32 protein. This variant is not present in population databases (gnomAD no frequency). This variant has not been reported in the literature in individuals affected with DHX32-related conditions. ClinVar contains an entry for this variant (Variation ID: 2191141). Algorithms developed to predict the effect of sequence changes on RNA splicing suggest that this variant may disrupt the consensus splice site. In summary, the available evidence is currently insufficient to determine the role of this variant in disease. Therefore, it has been classified as a Variant of Uncertain Significance.